The following is an entry in ClinVar:

NM_000447.3(PSEN2):c.436A>T (p.Ile146Phe)

Gene: PSEN2 (presenilin 2; plus strand). Cytogenetic location: 1q42.13.
Variant type: single nucleotide variant.
Coding change: c.436A>T on transcript NM_000447.3 (MANE Select); coding-DNA position 436, A replaced by T.
Protein change: p.Ile146Phe; replaces isoleucine 146 with phenylalanine.
Molecular consequence: missense variant.
Genome position (GRCh38, 1-based): chr1:226,885,617, A>T. VCF-style: chr1-226885617-A-T. GRCh37 (hg19) VCF-style: chr1-227073318-A-T.
Other names: c.436A>T, p.Ile146Phe (NM_012486.3); c.436A>T (NM_000447.2); short protein forms I146F.
Identifiers: ClinVar variation 2810305 (VCV002810305.5), dbSNP rs1004970794, ClinGen allele CA39091728.

ClinVar aggregate classification (germline): Uncertain significance. Review status: criteria provided, multiple submitters, no conflicts (2 of 4 stars). 3 submissions from 3 submitters: Uncertain significance (3). Last evaluated 2026-05-18.

Conditions:
Inborn genetic diseases. Identifiers: MedGen C0950123, MeSH D030342.
Alzheimer disease 4 (AD4). Identifiers: Orphanet 1020, MedGen C1847200, MONDO:0011743, OMIM 606889.

Allele frequency attached by ClinVar (database versions not stated): gnomAD exomes below 0.00001; gnomAD 0.00005; TOPMed 0.00011.
gnomAD v4.1: 9 of 1,613,210 alleles (0.00056%); highest among the groups gnomAD compares: Admixed American, 0.013%; no homozygotes.

Submissions (3):

Women's Health and Genetics/Laboratory Corporation of America, LabCorp
Classification: Uncertain significance. Last evaluated: 2026-05-18. Review status: criteria provided, single submitter. Criteria: LabCorp Variant Classification Summary - May 2015. Collection method: clinical testing. Allele origin: germline.
Comment: Variant summary: PSEN2 c.436A>T (p.Ile146Phe) results in a non-conservative amino acid change in the encoded protein sequence. Algorithms developed to predict the effect of missense changes on protein structure and function all suggest that this variant is likely to be disruptive. The variant allele was found at a frequency of 4e-06 in 251004 control chromosomes. The available data on variant occurrences in the general population are insufficient to allow any conclusion about variant significance. To our knowledge, no occurrence of c.436A>T in individuals affected with PSEN2-related conditions and no experimental evidence demonstrating its impact on protein function have been reported. ClinVar contains an entry for this variant (Variation ID: 2810305). Based on the evidence outlined above, the variant was classified as uncertain significance.

Ambry Genetics
Classification: Uncertain significance for Inborn genetic diseases. Last evaluated: 2024-07-26. Review status: criteria provided, single submitter. Criteria: Ambry Variant Classification Scheme 2023. Collection method: clinical testing. Allele origin: germline.

Labcorp Genetics (formerly Invitae), Labcorp
Classification: Uncertain significance for Alzheimer disease 4. Last evaluated: 2024-05-15. Review status: criteria provided, single submitter. Criteria: Invitae Variant Classification Sherloc (09022015). Collection method: clinical testing. Allele origin: germline.
Comment: This sequence change replaces isoleucine, which is neutral and non-polar, with phenylalanine, which is neutral and non-polar, at codon 146 of the PSEN2 protein (p.Ile146Phe). This variant is present in population databases (no rsID available, gnomAD 0.003%). This variant has not been reported in the literature in individuals affected with PSEN2-related conditions. Advanced modeling of protein sequence and biophysical properties (such as structural, functional, and spatial information, amino acid conservation, physicochemical variation, residue mobility, and thermodynamic stability) performed at Invitae indicates that this missense variant is expected to disrupt PSEN2 protein function with a positive predictive value of 80%. In summary, the available evidence is currently insufficient to determine the role of this variant in disease. Therefore, it has been classified as a Variant of Uncertain Significance.